The following is an entry in ClinVar:

NM_001018005.2(TPM1):c.598_610del (p.Thr199_Val200insTer)

Gene: TPM1 (tropomyosin 1; plus strand). Cytogenetic location: 15q22.2.
Variant type: Deletion.
Coding change: c.598_610del on transcript NM_001018005.2 (MANE Select); coding-DNA positions 598 to 610, 13 bases deleted (GTGACGAACAACT).
Protein change: p.Thr199_Val200insTer.
Molecular consequence: nonsense. On other transcripts: intron variant (6).
Genome position (GRCh38, 1-based): chr15:63,061,747-63,061,759, GTGACGAACAACT deleted; deleting any 13 consecutive bases within chr15:63,061,743-63,061,759 gives the same sequence; the c. name uses the placement nearest the transcript's 3' end. VCF-style (leftmost placement, unchanged base first): chr15-63061742-AAACTGTGACGAAC-A. GRCh37 (hg19) VCF-style: chr15-63353941-AAACTGTGACGAAC-A.
Other names: c.598_610del, p.Thr199_Val200insTer (NM_001018004.2, NM_001018007.2, NM_001301244.2 and 3 more transcripts); c.490_502del, p.Thr163_Val164insTer (NM_001018008.2, NM_001301289.2, NM_001330346.2 and 2 more transcripts); c.724_736del, p.Thr241_Val242insTer (NM_001365778.1); c.640-468_640-456del (NM_001018020.2, NM_001018006.2, NM_000366.6); c.532-468_532-456del (NM_001330351.2, NM_001330344.2, NM_001365781.2).
Identifiers: ClinVar variation 927187 (VCV000927187.3), dbSNP rs2035664302, ClinGen allele CA913188669.
Genomic context (GRCh38, chr15:63,061,742, plus strand): 5'-CACCCTTTCTGCCTCTGATCGAAAACATTAGCAAATGTGCCGAGCTTGAAGAAGAATTGA[AAACTGTGACGAAC>A]AACTTGAAGTCACTGGAGGCTCAGGCTGAGAAGGTAGGCCAGGAGGATGGTGTGGGGGAA-3'

ClinVar aggregate classification (germline): Uncertain significance (1 of 4 stars; one submission).

Conditions:
Cardiomyopathy (CMYO). Also called: Cardiomyopathies. Identifiers: Orphanet 167848, MedGen C0878544, MONDO:0004994, HP:0001638. Inheritance: Various modes of inheritance.

Submission:

Color Diagnostics, LLC DBA Color Health
Classification: Uncertain significance for Cardiomyopathy. Last evaluated: 2019-02-26. Review status: criteria provided, single submitter. Criteria: ACMG Guidelines, 2015. Collection method: clinical testing. Allele origin: germline.
Comment: Variant of Uncertain Significance due to insufficient evidence: This variant deletes 13 nucleotides in exon 6 of the TPM1 gene, creating a premature translation stop signal. This variant is expected to result in an absent or non-functional protein product. To our knowledge, functional assays have not been performed for this variant nor has this variant been reported in individuals affected with cardiovascular disorders in the literature. This variant is rare in the general population and has been identified in 0/277264 chromosomes by the Genome Aggregation Database (gnomAD). Disease-causing variants in TPM1 are mostly missense variants that act in a dominant-negative manner. The role of TPM1 truncation variants in cardiomyopathy is not clearly established. Available evidence is insufficient to determine the role of this variant in disease conclusively.